The following is an entry in ClinVar:

NM_000368.5(TSC1):c.220G>T (p.Asp74Tyr)

Gene: TSC1 (TSC complex subunit 1; minus strand). Cytogenetic location: 9q34.13.
Variant type: single nucleotide variant.
Coding change: c.220G>T on transcript NM_000368.5 (MANE Select); coding-DNA position 220, G replaced by T.
Protein change: p.Asp74Tyr; replaces aspartic acid 74 with tyrosine.
Molecular consequence: missense variant. On other transcripts: 5 prime UTR variant (18), non-coding transcript variant (5), intron variant (5).
Genome position (GRCh38, 1-based): chr9:132,925,730, C>A on the plus strand (G>T on the coding strand, the complement: TSC1 is on the minus strand). VCF-style: chr9-132925730-C-A. GRCh37 (hg19) VCF-style: chr9-135801117-C-A.
Other names: c.-800G>T (NM_001406629.1); c.-874G>T (NM_001406630.1); c.210+1471G>T (NM_001406613.1, NM_001406612.1, NM_001406610.1 and 2 more transcripts); c.-269G>T (NM_001406615.1, NM_001406623.1); c.-236G>T (NM_001406616.1, NM_001406624.1, NM_001406614.1); c.-144G>T (NM_001406617.1, NM_001406618.1, NM_001406619.1 and 5 more transcripts); c.-658G>T (NM_001406626.1, NM_001406627.1, NM_001406628.1); c.220G>T, p.Asp74Tyr (NM_001406608.1, NM_001406609.1, NM_001162426.2 and 16 more transcripts); short protein forms D74Y.
Identifiers: ClinVar variation 5007412 (VCV005007412.2).
Genomic context (GRCh38, chr9:132,925,730, plus strand): 5'-CCAGTAACGAGAGGATGGATAAACGAGTGGCGGCTTTGCCCACATATTCGTTAATCCTGT[C>A]CAAGAGGTGCTGAAAATGTAAAAGAACAAGGGCAGTCCTCACATGAATGTATGAAGTTAA-3'
Protein context (NP_000359.1, residues 64-84): LQEPHDKHLL[Asp74Tyr]RINEYVGKAA

ClinVar aggregate classification (germline): Uncertain significance (1 of 4 stars; one submission).

Conditions:
Isolated focal cortical dysplasia type II (FCORD2). Also called: CORTICAL DYSPLASIA OF TAYLOR; Focal cortical dysplasia type II. Identifiers: Orphanet 268994, MedGen C1846385, MONDO:0011818, OMIM 607341, HP:0032051.
Tuberous sclerosis 1 (TSC1). Identifiers: Orphanet 805, MedGen C1854465, MONDO:0008612, OMIM 191100.
Lymphangiomyomatosis (LAM). Also called: Lymphangioleiomyomatosis; Lymphangioleiomyomatosis, somatic. Identifiers: Orphanet 538, MedGen C0751674, MONDO:0011705, OMIM 606690.

Submission:

Juno Genomics, Hangzhou Juno Genomics, Inc
Classification: Uncertain significance for Tuberous sclerosis 1; Isolated focal cortical dysplasia type II; Lymphangiomyomatosis. Review status: criteria provided, single submitter. Criteria: ACMG Guidelines, 2015. Collection method: clinical testing. Allele origin: germline.
Comment: Missense variant in a gene that has a low rate of benign missense variation.;Multiple lines of computational evidence support a deleterious effect on the gene or gene product.;Absent from controls (or at extremely low frequency if recessive) in Genome Aggregation Database.